The following is an entry in ClinVar:

ClinVar aggregate classification (germline): Likely pathogenic (1 of 4 stars; one submission).

Conditions:
Autosomal recessive limb-girdle muscular dystrophy type 2J (LGMDR10). Also called: MUSCULAR DYSTROPHY, LIMB-GIRDLE, AUTOSOMAL RECESSIVE 10; Limb-girdle muscular dystrophy, type 2J. Identifiers: Orphanet 140922, MedGen C1837342, MONDO:0012127, OMIM 608807.
Dilated cardiomyopathy 1G (CMD1G). Identifiers: Orphanet 154, MedGen C1858763, MONDO:0011400, OMIM 604145.

Submission:

Labcorp Genetics (formerly Invitae), Labcorp
Classification: Likely pathogenic for Dilated cardiomyopathy 1G; Autosomal recessive limb-girdle muscular dystrophy type 2J. Last evaluated: 2019-11-26. Review status: criteria provided, single submitter. Criteria: Invitae Variant Classification Sherloc (09022015). Collection method: clinical testing. Allele origin: germline.
Comment: This variant has not been reported in the literature in individuals with TTN-related conditions. This variant is not present in population databases (ExAC no frequency). This sequence change results in a premature translational stop signal in the TTN gene (p.Val32036Thrfs*21). While this is not anticipated to result in nonsense mediated decay, it is expected to create a truncated TTN protein. Algorithms developed to predict the effect of sequence changes on RNA splicing suggest that this variant may create or strengthen a splice site, but this prediction has not been confirmed by published transcriptional studies. This variant is located in the A band of TTN (PMID: 25589632). Truncating variants in this region are significantly overrepresented in patients affected with dilated cardiomyopathy (PMID: 25589632). Truncating variants in this region have also been reported in individuals affected with autosomal recessive centronuclear myopathy (PMID: 23975875). In summary, the currently available evidence indicates that the variant is pathogenic, but additional data are needed to prove that conclusively. Therefore, this variant has been classified as Likely Pathogenic.

Literature cited by the submitters: PubMed 25589632; PubMed 23975875.

NM_001267550.2(TTN):c.96105_96106insACAGGAG (p.Val32036fs)

Genes: TTN-AS1 (TTN antisense RNA 1; plus strand), TTN (titin; minus strand), LOC126806421 (CDK7 strongly-dependent group 2 enhancer GRCh37_chr2:179407630-179408829; plus strand). Cytogenetic location: 2q31.2.
Variant type: Insertion.
Coding change: c.96105_96106insACAGGAG on transcript NM_001267550.2 (MANE Select); coding-DNA positions 96105 to 96106, ACAGGAG inserted.
Protein change: p.Val32036fs; shifts the reading frame from valine 32036.
Molecular consequence: frameshift variant.
Genome position: GRCh38 VCF-style: chr2-178544038-C-CCTCCTGT. GRCh37 (hg19) VCF-style: chr2-179408765-C-CCTCCTGT.
Other names: c.91182_91183insACAGGAG, p.Val30395fs (NM_001256850.1); c.68910_68911insACAGGAG, p.Val22971fs (NM_003319.4); c.88401_88402insACAGGAG, p.Val29468fs (NM_133378.4); c.69285_69286insACAGGAG, p.Val23096fs (NM_133432.3); c.69486_69487insACAGGAG, p.Val23163fs (NM_133437.4); short protein forms V22971fs, V32036fs, V23096fs, V29468fs, V23163fs, V30395fs.
Identifiers: ClinVar variation 848422 (VCV000848422.10), dbSNP rs1695870572, ClinGen allele CA916081347.